The following is an entry in ClinVar:

ClinVar aggregate classification (germline): Uncertain significance (1 of 4 stars; one submission).

Submission:

Labcorp Genetics (formerly Invitae), Labcorp
Classification: Uncertain significance. Last evaluated: 2019-12-24. Review status: criteria provided, single submitter. Criteria: Invitae Variant Classification Sherloc (09022015). Collection method: clinical testing. Allele origin: germline.
Comment: This variant has not been reported in the literature in individuals with FLVCR1-related conditions. Algorithms developed to predict the effect of missense changes on protein structure and function output the following: SIFT: "Tolerated"; PolyPhen-2: "Benign"; Align-GVGD: "Class C0". The glutamic acid amino acid residue is found in multiple mammalian species, suggesting that this missense change does not adversely affect protein function. These predictions have not been confirmed by published functional studies and their clinical significance is uncertain. In summary, the available evidence is currently insufficient to determine the role of this variant in disease. Therefore, it has been classified as a Variant of Uncertain Significance. This sequence change replaces glycine with glutamic acid at codon 9 of the FLVCR1 protein (p.Gly9Glu). The glycine residue is weakly conserved and there is a moderate physicochemical difference between glycine and glutamic acid. The frequency data for this variant in the population databases is considered unreliable, as metrics indicate insufficient coverage at this position in the ExAC database.

NM_014053.4(FLVCR1):c.26G>A (p.Gly9Glu)

Gene: FLVCR1 (FLVCR choline and heme transporter 1; plus strand). Cytogenetic location: 1q32.3.
Variant type: single nucleotide variant.
Coding change: c.26G>A on transcript NM_014053.4 (MANE Select); coding-DNA position 26, G replaced by A.
Protein change: p.Gly9Glu; replaces glycine 9 with glutamic acid.
Molecular consequence: missense variant.
Genome position (GRCh38, 1-based): chr1:212,858,478, G>A. VCF-style: chr1-212858478-G-A. GRCh37 (hg19) VCF-style: chr1-213031820-G-A.
Other names: short protein forms G9E.
Identifiers: ClinVar variation 851111 (VCV000851111.10), dbSNP rs1664091368, ClinGen allele CA344794999.